The following is an entry in ClinVar:

ClinVar aggregate classification (germline): Benign (0 of 4 stars; one submission).

Conditions:
LRIG1-related disorder. Also called: LRIG1-related condition.

Allele frequency attached by ClinVar (database versions not stated): 1000 Genomes Project 30x 0.04388; 1000 Genomes Project 0.04453; TOPMed 0.04500; gnomAD 0.04864; ESP Exome Variant Server 0.05251; ExAC 0.05926; gnomAD exomes 0.06663.
gnomAD v4.1: 104,359 of 1,614,124 alleles (6.5%); highest among the groups gnomAD compares: South Asian, 7.9%; 3,653 homozygotes.

Submission:

PreventionGenetics, part of Exact Sciences
Classification: Benign for LRIG1-related condition. Last evaluated: 2019-02-19. Review status: no assertion criteria provided. Collection method: clinical testing. Allele origin: germline.
Comment: This variant is classified as benign based on ACMG/AMP sequence variant interpretation guidelines (Richards et al. 2015 PMID: 25741868, with internal and published modifications).

NM_015541.3(LRIG1):c.3099C>T (p.Ser1033=)

Gene: LRIG1 (leucine rich repeats and immunoglobulin like domains 1; minus strand). Cytogenetic location: 3p14.1.
Variant type: single nucleotide variant.
Coding change: c.3099C>T on transcript NM_015541.3 (MANE Select); coding-DNA position 3099, C replaced by T.
Protein change: p.Ser1033=; no amino-acid change (serine 1033 retained).
Molecular consequence: synonymous variant.
Genome position (GRCh38, 1-based): chr3:66,380,446, G>A on the plus strand (C>T on the coding strand, the complement: LRIG1 is on the minus strand). VCF-style: chr3-66380446-G-A. GRCh37 (hg19) VCF-style: chr3-66430870-G-A.
Other names: c.3024C>T, p.Ser1008= (NM_001377344.1); c.2319C>T, p.Ser773= (NM_001377345.1, NM_001377346.1); c.2097C>T, p.Ser699= (NM_001377347.1); c.2070C>T, p.Ser690= (NM_001377348.1); c.1815C>T, p.Ser605= (NM_001377349.1).
Identifiers: ClinVar variation 3038396 (VCV003038396.2), dbSNP rs61754218, ClinGen allele CA2484007.
Genomic context (GRCh38, chr3:66,380,446, plus strand): 5'-CTGGGCTTCCGCGCGCTCTGGACTGCCTGAAGTTAATGAAGATGCAGGCTGTAGCTCTGT[G>A]GAGTCCGGGTGATACAACCTTGCTAAAGTCCAGGAAGAATCCCCTACAAGGAAAGAACGA-3'
Protein context (NP_056356.2, residues 1023-1043): WTLARLYHPD[Ser1033=]TELQPASSLT